The following is an entry in ClinVar:

NM_001375524.1(TRRAP):c.3127G>A (p.Ala1043Thr)

Gene: TRRAP (transformation/transcription domain associated protein; plus strand). Cytogenetic location: 7q22.1.
Variant type: single nucleotide variant.
Coding change: c.3127G>A on transcript NM_001375524.1 (MANE Select); coding-DNA position 3127, G replaced by A.
Protein change: p.Ala1043Thr; replaces alanine 1043 with threonine.
Molecular consequence: missense variant.
Genome position (GRCh38, 1-based): chr7:98,927,318, G>A. VCF-style: chr7-98927318-G-A. GRCh37 (hg19) VCF-style: chr7-98524941-G-A.
Other names: c.3127G>A, p.Ala1043Thr (NM_001244580.2, NM_003496.4); short protein forms A1043T.
Identifiers: ClinVar variation 634849 (VCV000634849.9), dbSNP rs1562945106, ClinGen allele CA368297520.
Genomic context (GRCh38, chr7:98,927,318, plus strand): 5'-ACAGGCGCCTTCATGTCTGCTGTCATTAAGGACCTGCGGCCCAGCGCCCTGCCCTTTGTC[G>A]CCAGCTTGATCCGCCACTATACGATGGTGGCAGTCGCCCAGCAGTGTGGTGAGCACGGGG-3'
Protein context (NP_001362453.1, residues 1033-1053): DLRPSALPFV[Ala1043Thr]SLIRHYTMVA

ClinVar aggregate classification (germline): Pathogenic/Likely pathogenic. Review status: criteria provided, multiple submitters, no conflicts (2 of 4 stars). 6 submissions from 6 submitters: Pathogenic (2); Likely pathogenic (1). 3 of the submissions do not count toward it. Last evaluated 2025-04-08.

Conditions:
Developmental delay with or without dysmorphic facies and autism. Identifiers: MedGen C5193106, MONDO:0032760, OMIM 618454.
TRRAP-related disorder. Also called: TRRAP-related condition.

Submissions (6):

Institute of Human Genetics, University of Leipzig Medical Center
Classification: Likely pathogenic for Developmental delay with or without dysmorphic facies and autism. Last evaluated: 2025-04-08. Review status: criteria provided, single submitter. Criteria: ACMG Guidelines, 2015. Collection method: clinical testing. Allele origin: unknown. Affected: yes.
Comment: Criteria applied: PS4_MOD,PM1,PM2,PP2

Blueprint Genetics
Classification: Pathogenic for TRRAP-related disorders. Last evaluated: 2019-12-19. Review status: criteria provided, single submitter. Criteria: ACMG Guidelines, 2015. Collection method: clinical testing. Allele origin: de novo. Affected: yes. Observed: 1 variant allele.

Equipe Genetique des Anomalies du Developpement, Université de Bourgogne
Classification: Pathogenic for Developmental delay with or without dysmorphic facies and autism. Review status: criteria provided, single submitter. Criteria: ACMG Guidelines, 2015. Collection method: clinical testing. Allele origin: de novo. Inheritance: Autosomal dominant inheritance. Affected: yes.

Solve-RD Consortium
Classification: Likely pathogenic for Developmental delay with or without dysmorphic facies and autism. Last evaluated: 2022-06-01. Review status: no assertion criteria provided. Collection method: provider interpretation. Allele origin: inherited. Affected: yes. Not counted in ClinVar's aggregate classification.
Comment: Variant confirmed as disease-causing by referring clinical team

Variant identified during reanalysis of unsolved cases by the Solve-RD project. The Solve-RD project has received funding from the European Union’s Horizon 2020 research and innovation programme under grant agreement No 779257.

OMIM
Classification: Pathogenic for DEVELOPMENTAL DELAY WITH DYSMORPHIC FACIES WITHOUT AUTISM. Last evaluated: 2019-06-13. Review status: no assertion criteria provided. Collection method: literature only. Allele origin: germline. Not counted in ClinVar's aggregate classification.

Revvity Omics, Revvity
Classification: Uncertain significance. Last evaluated: 2023-08-30. Review status: flagged submission. Criteria: ACMG Guidelines, 2015. Collection method: clinical testing. Allele origin: germline. Not counted in ClinVar's aggregate classification.
ClinVar note: Reason: Outlier claim with insufficient supporting evidence

Literature cited by the submitters: PubMed 39825153 (cited by Solve-RD Consortium); PubMed 30827496 (cited by OMIM).